The following is an entry in ClinVar:

ClinVar aggregate classification (germline): Uncertain significance (1 of 4 stars; one submission).

Submission:

GeneDx
Classification: Uncertain significance. Last evaluated: 2025-06-27. Review status: criteria provided, single submitter. Criteria: GeneDx Variant Classification Process June 2021. Collection method: clinical testing. Allele origin: germline. Affected: yes.
Comment: Not observed at significant frequency in large population cohorts (gnomAD); Has not been previously published as pathogenic or benign to our knowledge

NM_001110556.2(FLNA):c.6854T>C (p.Phe2285Ser)

Gene: FLNA (filamin A; minus strand). Cytogenetic location: Xq28.
Variant type: single nucleotide variant.
Coding change: c.6854T>C on transcript NM_001110556.2 (MANE Select); coding-DNA position 6854, T replaced by C.
Protein change: p.Phe2285Ser; replaces phenylalanine 2285 with serine.
Molecular consequence: missense variant.
Genome position (GRCh38, 1-based): chrX:154,351,937, A>G on the plus strand (T>C on the coding strand, the complement: FLNA is on the minus strand). VCF-style: chrX-154351937-A-G. GRCh37 (hg19) VCF-style: chrX-153580305-A-G.
Other names: c.6830T>C, p.Phe2277Ser (NM_001456.4); short protein forms F2277S, F2285S.
Identifiers: ClinVar variation 392904 (VCV000392904.3), dbSNP rs1057524694, ClinGen allele CA16608323.